The following is an entry in ClinVar:

NM_032043.3(BRIP1):c.3187del (p.Ser1063fs)

Gene: BRIP1 (BRCA1 interacting DNA helicase 1; minus strand). Cytogenetic location: 17q23.2.
Variant type: Deletion.
Coding change: c.3187del on transcript NM_032043.3 (MANE Select); coding-DNA position 3187, one base deleted (T; older notation c.3187delT).
Protein change: p.Ser1063fs; shifts the reading frame from serine 1063.
Molecular consequence: frameshift variant.
Genome position (GRCh38, 1-based): chr17:61,683,859, A deleted on the plus strand (T on the coding strand, the reverse complement: BRIP1 is on the minus strand). VCF-style (leftmost placement, unchanged base first): chr17-61683858-GA-G. GRCh37 (hg19) VCF-style: chr17-59761219-GA-G.
Other names: short protein forms S1063fs.
Identifiers: ClinVar variation 2922394 (VCV002922394.3), dbSNP rs2544559393, ClinGen allele CA2639153826.
Genomic context (GRCh38, chr17:61,683,858, plus strand): 5'-AGGGTGGCATCAATCTTTAATGATGAAATAATGGTTTCTGATTGAGGGCATGATCCAAAC[GA>G]TGTGTTTACTGTCAGATTTGAGGATTCACATTTATCAGTGAAGGGCAAAACAGTTTTACT-3'

ClinVar aggregate classification (germline): Uncertain significance (1 of 4 stars; one submission).

Conditions:
Fanconi anemia complementation group J. Also called: BRIP1-Related Fanconi Anemia. Identifiers: Orphanet 84, MedGen C1836860, MONDO:0012187, OMIM 609054.
Familial cancer of breast. Also called: hereditary breast carcinoma; BREAST CANCER, FAMILIAL; Hereditary breast cancer. Identifiers: Orphanet 227535, MedGen C0346153, MONDO:0016419, OMIM 114480. Disease mechanism: loss of function.

Allele frequency attached by ClinVar (database versions not stated): gnomAD exomes below 0.00001.

Submission:

Labcorp Genetics (formerly Invitae), Labcorp
Classification: Uncertain significance for Familial cancer of breast; Fanconi anemia complementation group J. Last evaluated: 2025-07-15. Review status: criteria provided, single submitter. Criteria: Invitae Variant Classification Sherloc (09022015). Collection method: clinical testing. Allele origin: germline.
Comment: This sequence change creates a premature translational stop signal (p.Ser1063Argfs*15) in the BRIP1 gene. While this is not anticipated to result in nonsense mediated decay, it is expected to disrupt the last 187 amino acid(s) of the BRIP1 protein. This variant is not present in population databases (gnomAD no frequency). This variant has not been reported in the literature in individuals affected with BRIP1-related conditions. ClinVar contains an entry for this variant (Variation ID: 2922394). In summary, the available evidence is currently insufficient to determine the role of this variant in disease. Therefore, it has been classified as a Variant of Uncertain Significance.